The following is an entry in ClinVar:

NM_000505.4(F12):c.971_1018+24del

Gene: F12 (coagulation factor XII; minus strand). Cytogenetic location: 5q35.3.
Variant type: Deletion.
Coding change: c.971_1018+24del on transcript NM_000505.4 (MANE Select); coding-DNA position 971 through 24 bases into the intron after coding-DNA position 1018, 72 bases deleted.
Molecular consequence: splice donor variant.
Genome position (GRCh38, 1-based): chr5:177,404,172-177,404,243, 72 bases deleted. GRCh37 (hg19): chr5:176,831,175-176,831,246.
Other names: c.971_1018+24del72 (NM_000505.3).
Identifiers: ClinVar variation 441533 (VCV000441533.8), dbSNP rs1554097246, ClinGen allele CA3581301.

ClinVar aggregate classification (germline): Pathogenic/Likely pathogenic. Review status: criteria provided, multiple submitters, no conflicts (2 of 4 stars). 5 submissions from 5 submitters: Pathogenic (1); Likely pathogenic (2). 2 of the submissions do not count toward it. Last evaluated 2025-06-10.

Conditions:
Factor XII deficiency disease. Also called: Congenital factor XII deficiency; F12 DEFICIENCY; HAF DEFICIENCY; Reduced factor XII activity. Identifiers: Orphanet 330, MedGen C0015526, MONDO:0009315, OMIM 234000, HP:0004841.
Hereditary angioedema type 3 (HAE3). Also called: ANGIONEUROTIC EDEMA, HEREDITARY, WITH NORMAL C1 INHIBITOR CONCENTRATION AND FUNCTION; ESTROGEN-RELATED HAE; ESTROGEN-SENSITIVE HAE; HAE WITH NORMAL C1 INHIBITOR CONCENTRATION AND FUNCTION. Identifiers: Orphanet 100054, MedGen C1857728, MONDO:0012526, OMIM 610618.
F12-related disorder. Also called: F12-related condition; F12-related disorders. Identifiers: MedGen CN239389.

Submissions (5):

Labcorp Genetics (formerly Invitae), Labcorp
Classification: Likely pathogenic. Last evaluated: 2025-06-10. Review status: criteria provided, single submitter. Criteria: Invitae Variant Classification Sherloc (09022015). Collection method: clinical testing. Allele origin: germline.
Comment: This variant results in the deletion of part of exon 9 (c.971_1018+24del) of the F12 gene. It affects a nucleotide within the consensus splice site. This variant is present in population databases (no rsID available, gnomAD 0.004%). A similar variant has been observed in individuals with autosomal dominant angioedema (PMID: 21849258, 25113305, 28483295). It has also been observed to segregate with disease in related individuals. ClinVar contains an entry for this variant (Variation ID: 441533). Algorithms developed to predict the effect of variants on gene product structure and function are not available or were not evaluated for this variant. Experimental studies have shown that a similar copy number variant affects F12 function (PMID: 27130860). Variants that disrupt the consensus splice site are a relatively common cause of aberrant splicing (PMID: 17576681, 9536098). In summary, the currently available evidence indicates that the variant is pathogenic, but additional data are needed to prove that conclusively. Therefore, this variant has been classified as Likely Pathogenic.

First Genomix Gene Laboratory, Genetic Diagnostics Department
Classification: Pathogenic for Factor XII deficiency disease. Last evaluated: 2025-05-23. Review status: criteria provided, single submitter. Criteria: ACMG Guidelines, 2015. Collection method: clinical testing. Allele origin: germline. Inheritance: Autosomal recessive inheritance. Affected: no. Observed: 1 variant allele.

ISTH-SSC Genomics in Thrombosis and Hemostasis, KU Leuven, Center for Molecular and Vascular Biology
Classification: Likely pathogenic for Hereditary angioedema type 3. Review status: criteria provided, single submitter. Criteria: ACMG Guidelines, 2015. Collection method: clinical testing. Allele origin: germline. Affected: yes. Observed: 1 heterozygote.
Comment: Submitted to GoldVariant by Kathleen Freson, Center for Molecular and Vascular Biology, Leuven, Belgium

PreventionGenetics, part of Exact Sciences
Classification: Likely pathogenic for F12-related condition. Last evaluated: 2024-03-13. Review status: no assertion criteria provided. Collection method: clinical testing. Allele origin: germline. Not counted in ClinVar's aggregate classification.
Comment: The F12 c.971_1018+24del72 variant is predicted to result in an in-frame deletion (p.Lys324_Ala340delinsThr). This variant in the heterozygous condition was reported in 4 affected individuals and 3 unaffected individuals from two unrelated Turkish families with hereditary angioedema and normal C1 inhibitor (Bork et al. 2011. PubMed ID: 21849258; Bork et al. 2014. PubMed ID: 25113305). This variant was also reported in one individual with ACE inhibitor-induced angioedema (Veronez et al 2017. PubMed ID: 28483295). Functional studies suggest that this variant affects protein normal function (de Maat S et al 2016. PubMed ID: 27130860). It is reported in 0.0043% of alleles in individuals of European (Non-Finnish) descent in gnomAD. This variant is interpreted as likely pathogenic.

Nöthen Lab, Institute of Human Genetics, University Hospital Bonn
Classification: Pathogenic for Hereditary angioedema type 3. Review status: no assertion criteria provided. Collection method: literature only. Allele origin: germline. Inheritance: Autosomal dominant inheritance. Affected: yes. Observed: 7 variant alleles, 7 heterozygotes. Not counted in ClinVar's aggregate classification.
Comment: Reported in two families with hereditary angioedema type III, Family I: observed in two affected females and one unaffected male. Family II: observed in two affected females and one unaffected male and one unaffected female (Bork et al. 2011 PMID: 21849258 and Bork et al. 2014 PMID: 25113305) A reduced penetrance for males is well known, it is estimated at <10%. Functional consequences have been demonstrated experimentally (de Maat et al. 2016 PMID: 27130860).

Literature cited by the submitters: PubMed 21849258 (cited by Labcorp Genetics (formerly Invitae), Labcorp); PubMed 25113305 (cited by Labcorp Genetics (formerly Invitae), Labcorp); PubMed 28483295 (cited by Labcorp Genetics (formerly Invitae), Labcorp); PubMed 27130860 (cited by Labcorp Genetics (formerly Invitae), Labcorp and Nöthen Lab, Institute of Human Genetics, University Hospital Bonn); PubMed 17576681 (cited by Labcorp Genetics (formerly Invitae), Labcorp); PubMed 9536098 (cited by Labcorp Genetics (formerly Invitae), Labcorp).